The following is an entry in ClinVar:

ClinVar aggregate classification (germline): Pathogenic. Review status: criteria provided, multiple submitters, no conflicts (2 of 4 stars). 3 submissions from 3 submitters: Pathogenic (3). Last evaluated 2026-01-01.

Conditions:
Autosomal recessive nonsyndromic hearing loss 22. Identifiers: Orphanet 90636, MedGen C1846896, MONDO:0011762, OMIM 607039.

Allele frequency attached by ClinVar (database versions not stated): gnomAD exomes 0.00001; ExAC 0.00002.
gnomAD v4.1: 17 of 1,614,020 alleles (0.0011%); highest among the groups gnomAD compares: East Asian, 0.0022%; no homozygotes.

Submissions (3):

CeGaT Center for Human Genetics Tuebingen
Classification: Pathogenic. Last evaluated: 2026-01-01. Review status: criteria provided, single submitter. Criteria: CeGaT Center For Human Genetics Tuebingen Variant Classification Criteria Version 2. Collection method: clinical testing. Allele origin: germline. Affected: yes. Observed: 1 variant allele.
Comment: OTOA: PVS1, PM2, PM3

Labcorp Genetics (formerly Invitae), Labcorp
Classification: Pathogenic. Last evaluated: 2025-01-29. Review status: criteria provided, single submitter. Criteria: Invitae Variant Classification Sherloc (09022015). Collection method: clinical testing. Allele origin: germline.
Comment: This sequence change creates a premature translational stop signal (p.Arg148*) in the OTOA gene. It is expected to result in an absent or disrupted protein product. Loss-of-function variants in OTOA are known to be pathogenic (PMID: 11972037). This variant is present in population databases (rs768538095, gnomAD 0.006%). This premature translational stop signal has been observed in individual(s) with childhood onset deafness (PMID: 31527525). In at least one individual the data is consistent with being in trans (on the opposite chromosome) from a pathogenic variant. ClinVar contains an entry for this variant (Variation ID: 2972800). For these reasons, this variant has been classified as Pathogenic.

Juno Genomics, Hangzhou Juno Genomics, Inc
Classification: Pathogenic for Autosomal recessive nonsyndromic hearing loss 22. Review status: criteria provided, single submitter. Criteria: ACMG Guidelines, 2015. Collection method: clinical testing. Allele origin: germline.
Comment: Absent from controls (or at extremely low frequency if recessive) in Genome Aggregation Database.;Null variant in a gene where loss of function (LOF) is a known mechanism of disease.;For recessive disorders, detected in trans with a pathogenic variant.

Literature cited by the submitters: PubMed 11972037 (cited by Labcorp Genetics (formerly Invitae), Labcorp); PubMed 31527525 (cited by Labcorp Genetics (formerly Invitae), Labcorp).

NM_144672.4(OTOA):c.442C>T (p.Arg148Ter)

Gene: OTOA (otoancorin). Cytogenetic location: 16p12.2.
Variant type: single nucleotide variant.
Coding change: c.442C>T on transcript NM_144672.4 (MANE Select); coding-DNA position 442, C replaced by T.
Protein change: p.Arg148Ter; replaces arginine 148 with a stop codon.
Molecular consequence: nonsense.
Genome position (GRCh38, 1-based): chr16:21,687,455, C>T. VCF-style: chr16-21687455-C-T. GRCh37 (hg19) VCF-style: chr16-21698776-C-T.
Other names: c.205C>T, p.Arg69Ter (NM_001161683.2); short protein forms R148*, R69*.
Identifiers: ClinVar variation 2972800 (VCV002972800.8), dbSNP rs768538095, ClinGen allele CA7952308.